The following is an entry in ClinVar:

NM_021620.4(PRDM13):c.1777C>G (p.Arg593Gly)

Gene: PRDM13 (PR/SET domain 13; plus strand). Cytogenetic location: 6q16.2.
Variant type: single nucleotide variant.
Coding change: c.1777C>G on transcript NM_021620.4 (MANE Select); coding-DNA position 1777, C replaced by G.
Protein change: p.Arg593Gly; replaces arginine 593 with glycine.
Molecular consequence: missense variant.
Genome position (GRCh38, 1-based): chr6:99,614,412, C>G. VCF-style: chr6-99614412-C-G. GRCh37 (hg19) VCF-style: chr6-100062288-C-G.
Other names: short protein forms R593G.
Identifiers: ClinVar variation 2086889 (VCV002086889.4), dbSNP rs753096200, ClinGen allele CA365121498.

ClinVar aggregate classification (germline): Uncertain significance (1 of 4 stars; one submission).

Submission:

Labcorp Genetics (formerly Invitae), Labcorp
Classification: Uncertain significance. Last evaluated: 2022-01-17. Review status: criteria provided, single submitter. Criteria: Invitae Variant Classification Sherloc (09022015). Collection method: clinical testing. Allele origin: germline.
Comment: This sequence change replaces arginine, which is basic and polar, with glycine, which is neutral and non-polar, at codon 593 of the PRDM13 protein (p.Arg593Gly). This variant is not present in population databases (gnomAD no frequency). This variant has not been reported in the literature in individuals affected with PRDM13-related conditions. Algorithms developed to predict the effect of missense changes on protein structure and function (SIFT, PolyPhen-2, Align-GVGD) all suggest that this variant is likely to be disruptive. In summary, the available evidence is currently insufficient to determine the role of this variant in disease. Therefore, it has been classified as a Variant of Uncertain Significance.